The following is an entry in ClinVar:

ClinVar aggregate classification (germline): Conflicting classifications of pathogenicity. Review status: criteria provided, conflicting classifications (1 of 4 stars). 3 submissions from 3 submitters: Uncertain significance (2); Likely benign (1). Last evaluated 2024-11-27.

Allele frequency attached by ClinVar (database versions not stated): 1000 Genomes Project 30x 0.02811; gnomAD 0.03444.

Submissions (3):

Blueprint Genetics
Classification: Likely benign. Last evaluated: 2024-11-27. Review status: criteria provided, single submitter. Criteria: ACMG Guidelines, 2015. Collection method: clinical testing. Allele origin: germline.

GeneDx
Classification: Uncertain significance. Last evaluated: 2019-06-05. Review status: criteria provided, single submitter. Criteria: GeneDx Variant Classification Process June 2021. Collection method: clinical testing. Allele origin: germline. Affected: yes.
Comment: Has not been previously published as pathogenic or benign to our knowledge; Adequate data is not available in large population cohorts to assess the frequency of this variant in publicly available databases; In silico analysis, which includes protein predictors and evolutionary conservation, supports a deleterious effect

Breakthrough Genomics
Classification: Uncertain significance. Review status: criteria provided, single submitter. Criteria: ACMG Guidelines, 2015. Collection method: not provided. Allele origin: germline. Inheritance: Autosomal recessive inheritance. Affected: yes.

NM_001270974.2(HYDIN):c.6053G>A (p.Arg2018His)

Gene: HYDIN (HYDIN axonemal central pair apparatus protein; minus strand). Cytogenetic location: 16q22.2.
Variant type: single nucleotide variant.
Coding change: c.6053G>A on transcript NM_001270974.2 (MANE Select); coding-DNA position 6053, G replaced by A.
Protein change: p.Arg2018His; replaces arginine 2018 with histidine.
Molecular consequence: missense variant.
Genome position (GRCh38, 1-based): chr16:70,959,736, C>T on the plus strand (G>A on the coding strand, the complement: HYDIN is on the minus strand). VCF-style: chr16-70959736-C-T. GRCh37 (hg19) VCF-style: chr16-70993639-C-T.
Other names: short protein forms R2018H.
Identifiers: ClinVar variation 1214087 (VCV001214087.5), dbSNP rs200979879, ClinGen allele CA8150391.
Genomic context (GRCh38, chr16:70,959,736, plus strand): 5'-GCGATGCCTTTCCGGTTCTTGGCCAGGCGGCCTTCTGCAGAAATGTCAATGCCCAGGTGG[C>T]GAGCGATTGCTTTGCTCACTGGGTTGTTTTCCACCTCTCCAACTTCCTCCATGGAGTGGC-3'
Protein context (NP_001257903.1, residues 2008-2028): ENNPVSKAIA[Arg2018His]HLGIDISAEG